The following is an entry in ClinVar:

ClinVar aggregate classification (germline): Uncertain significance (1 of 4 stars; one submission).

Submission:

Labcorp Genetics (formerly Invitae), Labcorp
Classification: Uncertain significance. Last evaluated: 2024-02-02. Review status: criteria provided, single submitter. Criteria: Invitae Variant Classification Sherloc (09022015). Collection method: clinical testing. Allele origin: germline.
Comment: This sequence change replaces arginine, which is basic and polar, with lysine, which is basic and polar, at codon 155 of the IL21 protein (p.Arg155Lys). This variant is not present in population databases (gnomAD no frequency). This variant has not been reported in the literature in individuals affected with IL21-related conditions. An algorithm developed to predict the effect of missense changes on protein structure and function (PolyPhen-2) suggests that this variant is likely to be tolerated. In summary, the available evidence is currently insufficient to determine the role of this variant in disease. Therefore, it has been classified as a Variant of Uncertain Significance.

NM_021803.4(IL21):c.464G>A (p.Arg155Lys)

Gene: IL21 (interleukin 21; minus strand). Cytogenetic location: 4q27.
Variant type: single nucleotide variant.
Coding change: c.464G>A on transcript NM_021803.4 (MANE Select); coding-DNA position 464, G replaced by A.
Protein change: p.Arg155Lys; replaces arginine 155 with lysine.
Molecular consequence: missense variant. On other transcripts: 3 prime UTR variant (1).
Genome position (GRCh38, 1-based): chr4:122,612,735, C>T on the plus strand (G>A on the coding strand, the complement: IL21 is on the minus strand). VCF-style: chr4-122612735-C-T. GRCh37 (hg19) VCF-style: chr4-123533890-C-T.
Other names: c.*92G>A (NM_001207006.3); short protein forms R155K.
Identifiers: ClinVar variation 3626825 (VCV003626825.2).